The following is an entry in ClinVar:

NM_000070.3(CAPN3):c.327_328dup (p.Arg110fs)

Gene: CAPN3 (calpain 3; plus strand). Cytogenetic location: 15q15.1.
Variant type: Duplication.
Coding change: c.327_328dup on transcript NM_000070.3 (MANE Select); coding-DNA positions 327 to 328, 2 bases duplicated (CC; older notation c.327_328dupCC).
Protein change: p.Arg110fs; shifts the reading frame from arginine 110.
Molecular consequence: frameshift variant.
Genome position (GRCh38, 1-based): chr15:42,384,500-42,384,501, CC duplicated; duplicating any 2 consecutive bases within chr15:42,384,498-42,384,501 gives the same sequence; the c. name uses the placement nearest the transcript's 3' end. VCF-style (leftmost placement, unchanged base first): chr15-42384497-T-TCC. GRCh37 (hg19) VCF-style: chr15-42676695-T-TCC.
Other names: NM_000070.3(CAPN3):c.327_328dup; p.Arg110fs; c.327_328dup, p.Arg110fs (NM_024344.2, NM_173087.2); short protein forms R110fs.
Identifiers: ClinVar variation 210563 (VCV000210563.67), dbSNP rs797045427, ClinGen allele CA347357.
Genomic context (GRCh38, chr15:42,384,497, plus strand): 5'-CTATCTACTGTTATTCTTACCTGGTCATTTCCTTTTTGTTTCACAGGAAATTTGCGAGAA[T>TCC]CCCCGATTTATCATTGATGGAGCCAACAGAACTGACATCTGTCAAGGAGAGCTAGGTAGG-3'

ClinVar aggregate classification (germline): Pathogenic. Review status: reviewed by expert panel (3 of 4 stars). 9 submissions from 9 submitters: Pathogenic (1). 8 of the submissions do not count toward it. Last evaluated 2026-03-12.

Conditions:
Autosomal recessive limb-girdle muscular dystrophy. Identifiers: Orphanet 102015, MedGen C2931907, MONDO:0015152.
Muscular dystrophy, limb-girdle, autosomal dominant 4. Also called: Calpain-3-related limb-girdle muscular dystrophy D4; MUSCULAR DYSTROPHY, LIMB-GIRDLE, TYPE 1I. Identifiers: Orphanet 565909, MedGen C4748295, MONDO:0029133, OMIM 618129.
Autosomal recessive limb-girdle muscular dystrophy type 2A (LGMDR1). Also called: Muscular dystrophy, limb-girdle, type 2A, Amish; LEYDEN-MOEBIUS MUSCULAR DYSTROPHY; Limb-girdle muscular dystrophy, type 2A; Calpainopathy; MUSCULAR DYSTROPHY, PELVOFEMORAL. Identifiers: Orphanet 267, MedGen C1869123, MONDO:0009675, OMIM 253600. Disease mechanism: loss of function.

Submissions (9):

ClinGen Limb Girdle Muscular Dystrophy Variant Curation Expert Panel, ClinGen
Classification: Pathogenic for Autosomal recessive limb-girdle muscular dystrophy. Last evaluated: 2026-03-12. Review status: reviewed by expert panel. Criteria: ClinGen LGMD VCEP ACMG Specifications CAPN3 V2.0.0. Collection method: curation. Allele origin: germline. Inheritance: Autosomal recessive inheritance.
Comment: The NM_000070.3: c.327_328dup p.(Arg110ProfsTer18) variant is a frameshift variant predicted to cause a premature stop codon in biologically relevant exon 2/24, leading to nonsense-mediated decay in a gene in which loss of function is an established disease mechanism (PVS1). This variant has been identified in at least two patients with features consistent with LGMD (PMID: 30564623, 1805549; LOVD CAPN3_000440), including in unconfirmed phase with a pathogenic variant (c.1993-1G>A, 0.5 pts, PMID: 30564623, LOVD Individual #00220608) (PM3_Supporting). At least one individual with this variant and a second presumed diagnostic CAPN3 variant displayed progressive limb girdle muscle weakness as well as absent CAPN3 expression in skeletal muscle, which is highly specific for CAPN3-related LGMD (PMID: 18055493, LOVD Individual #00214565; PP4_Strong). The upper bound of the 95% confidence interval of the Grpmax variant allele frequency in gnomAD v4.1.0 is 0.000076118 (74/1179616 European (non-Finnish) alleles), which is less than the VCEP threshold of 0.0001 (PM2_Supporting). In summary, this variant meets the criteria to be classified as Pathogenic for autosomal recessive limb-girdle muscular dystrophy based on the ACMG/AMP criteria applied, as specified by the ClinGen Limb Girdle Muscular Dystrophy Expert Panel (specification version 2.0.0; 03/12/2026): PVS1, PM3_Supporting, PP4_Strong, PM2_Supporting.

Natera, Inc.
Classification: Pathogenic for Limb-girdle muscular dystrophy type 2A. Last evaluated: 2025-12-19. Review status: criteria provided, single submitter. Criteria: Natera Variant Classification Schema (03/2026). Collection method: clinical testing. Allele origin: germline. Not counted in ClinVar's aggregate classification.
Comment: The c.327_328dupCC variant in CAPN3 is a frameshift variant predicted to shift the reading frame beginning at codon 110 and leads to a stop codon 18 codons downstream. This variant is expected to result in nonsense mediated decay, truncation, or a dysfunctional protein product. This variant is rare in the general population with a frequency below the threshold expected for the associated phenotype(s). This variant has been observed in one or more individuals affected with the associated recessive disease, as either homozygous or compound heterozygous with a second variant (PMID: 38544359). Given the available evidence, this variant is classified as Pathogenic.

Labcorp Genetics (formerly Invitae), Labcorp
Classification: Pathogenic for Autosomal recessive limb-girdle muscular dystrophy type 2A. Last evaluated: 2025-09-27. Review status: criteria provided, single submitter. Criteria: Invitae Variant Classification Sherloc (09022015). Collection method: clinical testing. Allele origin: germline. Not counted in ClinVar's aggregate classification.
Comment: This sequence change creates a premature translational stop signal (p.Arg110Profs*18) in the CAPN3 gene. It is expected to result in an absent or disrupted protein product. Loss-of-function variants in CAPN3 are known to be pathogenic (PMID: 10330340, 15689361). This variant is present in population databases (rs797045427, gnomAD 0.01%). This premature translational stop signal has been observed in individual(s) with limb girdle muscular dystrophy (PMID: 18055493, 20694146). ClinVar contains an entry for this variant (Variation ID: 210563). For these reasons, this variant has been classified as Pathogenic.

Baylor Genetics
Classification: Pathogenic for Muscular dystrophy, limb-girdle, autosomal dominant 4. Last evaluated: 2023-03-15. Review status: criteria provided, single submitter. Criteria: ACMG Guidelines, 2015. Collection method: clinical testing. Allele origin: unknown. Not counted in ClinVar's aggregate classification.

Revvity Omics, Revvity
Classification: Pathogenic. Last evaluated: 2022-05-09. Review status: criteria provided, single submitter. Criteria: ACMG Guidelines, 2015. Collection method: clinical testing. Allele origin: germline. Not counted in ClinVar's aggregate classification.

CeGaT Center for Human Genetics Tuebingen
Classification: Pathogenic. Last evaluated: 2021-06-01. Review status: criteria provided, single submitter. Criteria: CeGaT Center For Human Genetics Tuebingen Variant Classification Criteria Version 2. Collection method: clinical testing. Allele origin: germline. Affected: yes. Observed: 5 variant alleles. Not counted in ClinVar's aggregate classification.

Eurofins Ntd Llc (ga)
Classification: Pathogenic. Last evaluated: 2016-01-22. Review status: criteria provided, single submitter. Criteria: EGL Classification Definitions. Collection method: clinical testing. Allele origin: germline. Observed: 1 variant allele, 1 heterozygote. Not counted in ClinVar's aggregate classification.

Genetic Services Laboratory, University of Chicago
Classification: Pathogenic for Muscular dystrophy, limb-girdle, type 2A. Last evaluated: 2014-12-19. Review status: criteria provided, single submitter. Criteria: ACMG Guidelines, 2015. Collection method: clinical testing. Allele origin: germline. Affected: yes. Not counted in ClinVar's aggregate classification.

Counsyl
Classification: Likely pathogenic for Autosomal recessive limb-girdle muscular dystrophy type 2A. Last evaluated: 2018-02-08. Review status: no assertion criteria provided. Collection method: clinical testing. Allele origin: unknown. Not counted in ClinVar's aggregate classification.

Literature cited by the submitters: PubMed 38544359 (cited by Natera, Inc.); PubMed 10330340 (cited by Labcorp Genetics (formerly Invitae), Labcorp); PubMed 15689361 (cited by Labcorp Genetics (formerly Invitae), Labcorp); PubMed 18055493 (cited by Labcorp Genetics (formerly Invitae), Labcorp and Counsyl); PubMed 20694146 (cited by Labcorp Genetics (formerly Invitae), Labcorp and Counsyl).